The following is an entry in ClinVar:

NM_000170.3(GLDC):c.533A>G (p.Asn178Ser)

Gene: GLDC (glycine decarboxylase; minus strand). Cytogenetic location: 9p24.1.
Variant type: single nucleotide variant.
Coding change: c.533A>G on transcript NM_000170.3 (MANE Select); coding-DNA position 533, A replaced by G.
Protein change: p.Asn178Ser; replaces asparagine 178 with serine.
Molecular consequence: missense variant.
Genome position (GRCh38, 1-based): chr9:6,610,294, T>C on the plus strand (A>G on the coding strand, the complement: GLDC is on the minus strand). VCF-style: chr9-6610294-T-C. GRCh37 (hg19) VCF-style: chr9-6610294-T-C.
Other names: short protein forms N178S.
Identifiers: ClinVar variation 2066058 (VCV002066058.1), dbSNP rs1415039850, ClinGen allele CA372898459.

ClinVar aggregate classification (germline): Uncertain significance (1 of 4 stars; one submission).

Conditions:
Glycine encephalopathy. Also called: Nonketotic hyperglycinemia; Non-ketotic hyperglycinemia. Identifiers: Orphanet 407, MedGen C0751748, MONDO:0011612, HP:0008288.

Allele frequency attached by ClinVar (database versions not stated): TOPMed 0.00001.

Submission:

Labcorp Genetics (formerly Invitae), Labcorp
Classification: Uncertain significance for Glycine encephalopathy. Last evaluated: 2022-04-07. Review status: criteria provided, single submitter. Criteria: Invitae Variant Classification Sherloc (09022015). Collection method: clinical testing. Allele origin: germline.
Comment: This sequence change replaces asparagine, which is neutral and polar, with serine, which is neutral and polar, at codon 178 of the GLDC protein (p.Asn178Ser). This variant is present in population databases (no rsID available, gnomAD 0.006%). This variant has not been reported in the literature in individuals affected with GLDC-related conditions. Advanced modeling of protein sequence and biophysical properties (such as structural, functional, and spatial information, amino acid conservation, physicochemical variation, residue mobility, and thermodynamic stability) performed at Invitae indicates that this missense variant is expected to disrupt GLDC protein function. In summary, the available evidence is currently insufficient to determine the role of this variant in disease. Therefore, it has been classified as a Variant of Uncertain Significance.